The following is an entry in ClinVar:

ClinVar aggregate classification (germline): Pathogenic (1 of 4 stars; one submission).

Conditions:
Developmental and epileptic encephalopathy. Identifiers: MedGen C5779964, MONDO:0100620.

Submission:

Labcorp Genetics (formerly Invitae), Labcorp
Classification: Pathogenic for Early-infantile DEE. Last evaluated: 2023-08-30. Review status: criteria provided, single submitter. Criteria: Invitae Variant Classification Sherloc (09022015). Collection method: clinical testing. Allele origin: unknown.
Comment: This variant is a gross deletion of the genomic region encompassing exon(s) 7-8 of the GNAO1 gene, which includes the termination codon. This deletion extends beyond the assayed region for this gene and therefore may encompass additional genes. While this deletion is not anticipated to lead to nonsense mediated decay, it is expected to alter mRNA translation or result in a truncated protein product. This variant has not been reported in the literature in individuals affected with GNAO1-related conditions. This variant disrupts a region of the GNAO1 protein in which other variant(s) (p.Tyr291Asn) have been determined to be pathogenic (PMID: 30682224). This suggests that this is a clinically significant region of the protein, and that variants that disrupt it are likely to be disease-causing. For these reasons, this variant has been classified as Pathogenic.

Literature cited by the submitters: PubMed 30682224.

NC_000016.9:g.(?_56385276)_(56388965_?)del

Gene: GNAO1 (G protein subunit alpha o1; plus strand). Cytogenetic location: 16q12.2.
Variant type: Deletion.
Identifiers: ClinVar variation 3243367 (VCV003243367.1).